The following is an entry in ClinVar:

ClinVar aggregate classification (germline): Uncertain significance. Review status: criteria provided, multiple submitters, no conflicts (2 of 4 stars). 2 submissions from 2 submitters: Uncertain significance (2). Last evaluated 2025-01-19.

Conditions:
Inborn genetic diseases. Identifiers: MedGen C0950123, MeSH D030342.
Schimke immuno-osseous dysplasia (SIOD). Also called: Schimke Immunoosseous Dysplasia. Identifiers: Orphanet 1830, MedGen C0877024, MONDO:0009458, OMIM 242900.

Allele frequency attached by ClinVar (database versions not stated): gnomAD 0.00006; TOPMed 0.00006; ESP Exome Variant Server 0.00008.
gnomAD v4.1: 106 of 1,613,996 alleles (0.0066%); highest among the groups gnomAD compares: Non-Finnish European, 0.0086%; no homozygotes.

Submissions (2):

Ambry Genetics
Classification: Uncertain significance for Inborn genetic diseases. Last evaluated: 2025-01-19. Review status: criteria provided, single submitter. Criteria: Ambry Variant Classification Scheme 2023. Collection method: clinical testing. Allele origin: germline.

Labcorp Genetics (formerly Invitae), Labcorp
Classification: Uncertain significance for Schimke immuno-osseous dysplasia. Last evaluated: 2022-07-25. Review status: criteria provided, single submitter. Criteria: Invitae Variant Classification Sherloc (09022015). Collection method: clinical testing. Allele origin: germline.
Comment: This sequence change replaces isoleucine, which is neutral and non-polar, with valine, which is neutral and non-polar, at codon 448 of the SMARCAL1 protein (p.Ile448Val). This variant is present in population databases (rs370689030, gnomAD 0.006%). This variant has not been reported in the literature in individuals affected with SMARCAL1-related conditions. ClinVar contains an entry for this variant (Variation ID: 1524408). Algorithms developed to predict the effect of missense changes on protein structure and function output the following: SIFT: "Tolerated"; PolyPhen-2: "Benign"; Align-GVGD: "Class C0". The valine amino acid residue is found in multiple mammalian species, which suggests that this missense change does not adversely affect protein function. In summary, the available evidence is currently insufficient to determine the role of this variant in disease. Therefore, it has been classified as a Variant of Uncertain Significance.

NM_014140.4(SMARCAL1):c.1342A>G (p.Ile448Val)

Gene: SMARCAL1 (SNF2 related chromatin remodeling annealing helicase 1; plus strand). Cytogenetic location: 2q35.
Variant type: single nucleotide variant.
Coding change: c.1342A>G on transcript NM_014140.4 (MANE Select); coding-DNA position 1342, A replaced by G.
Protein change: p.Ile448Val; replaces isoleucine 448 with valine.
Molecular consequence: missense variant.
Genome position (GRCh38, 1-based): chr2:216,432,725, A>G. VCF-style: chr2-216432725-A-G. GRCh37 (hg19) VCF-style: chr2-217297448-A-G.
Other names: c.1342A>G, p.Ile448Val (NM_001127207.2); c.1342A>G (NM_014140.3); short protein forms I448V.
Identifiers: ClinVar variation 1524408 (VCV001524408.4), dbSNP rs370689030, ClinGen allele CA2097855.
Genomic context (GRCh38, chr2:216,432,725, plus strand): 5'-CAGATGAACTCATGCCCCGGGAAATGTGCCATCCTCACCTTGTCTGCCTTCAGTTTTGCC[A>G]TAGCCAAAGGAGGCCGCCTGCTGCTCGCTGACGACATGGGCCTGGGGAAGACCATCCAAG-3'
Protein context (NP_054859.2, residues 438-458): PFQRAGVNFA[Ile448Val]AKGGRLLLAD